The following is an entry in ClinVar:

ClinVar aggregate classification (germline): Uncertain significance (1 of 4 stars; one submission).

gnomAD v4.1: 78 of 1,613,732 alleles (0.0048%); highest among the groups gnomAD compares: South Asian, 0.026%; no homozygotes.

Submission:

Labcorp Genetics (formerly Invitae), Labcorp
Classification: Uncertain significance. Last evaluated: 2024-12-19. Review status: criteria provided, single submitter. Criteria: Invitae Variant Classification Sherloc (09022015). Collection method: clinical testing. Allele origin: germline.
Comment: This sequence change replaces arginine, which is basic and polar, with proline, which is neutral and non-polar, at codon 881 of the MAGEL2 protein (p.Arg881Pro). This variant is present in population databases (rs368034669, gnomAD 0.05%), and has an allele count higher than expected for a pathogenic variant. This variant has not been reported in the literature in individuals affected with MAGEL2-related conditions. Invitae Evidence Modeling of protein sequence and biophysical properties (such as structural, functional, and spatial information, amino acid conservation, physicochemical variation, residue mobility, and thermodynamic stability) indicates that this missense variant is not expected to disrupt MAGEL2 protein function with a negative predictive value of 80%. In summary, the available evidence is currently insufficient to determine the role of this variant in disease. Therefore, it has been classified as a Variant of Uncertain Significance.

NM_019066.5(MAGEL2):c.2642G>C (p.Arg881Pro)

Gene: MAGEL2 (MAGE family member L2; minus strand). Cytogenetic location: 15q11.2.
Variant type: single nucleotide variant.
Coding change: c.2642G>C on transcript NM_019066.5 (MANE Select); coding-DNA position 2642, G replaced by C.
Protein change: p.Arg881Pro; replaces arginine 881 with proline.
Molecular consequence: missense variant.
Genome position (GRCh38, 1-based): chr15:23,645,101, C>G on the plus strand (G>C on the coding strand, the complement: MAGEL2 is on the minus strand). VCF-style: chr15-23645101-C-G. GRCh37 (hg19) VCF-style: chr15-23890248-C-G.
Other names: short protein forms R881P.
Identifiers: ClinVar variation 3608489 (VCV003608489.2).
Genomic context (GRCh38, chr15:23,645,101, plus strand): 5'-TGGCCACGGCTGTCCTCTTGGGCTTCCAGATGCTTCTTCTTCCGGGTGGCCTTGCCGGAG[C>G]GGCGTGGCGGCTCGACGGAGGTCTTGGAGGCCTCTTGAGTGGTGGCAGTTGCCTGGGGGG-3'
Protein context (NP_061939.3, residues 871-891): ASKTSVEPPR[Arg881Pro]SGKATRKKKH